The following is an entry in ClinVar:

NM_001111067.4(ACVR1):c.1054A>G (p.Ile352Val)

Gene: ACVR1 (activin A receptor type 1; minus strand). Cytogenetic location: 2q24.1.
Variant type: single nucleotide variant.
Coding change: c.1054A>G on transcript NM_001111067.4 (MANE Select); coding-DNA position 1054, A replaced by G.
Protein change: p.Ile352Val; replaces isoleucine 352 with valine.
Molecular consequence: missense variant.
Genome position (GRCh38, 1-based): chr2:157,765,933, T>C on the plus strand (A>G on the coding strand, the complement: ACVR1 is on the minus strand). VCF-style: chr2-157765933-T-C. GRCh37 (hg19) VCF-style: chr2-158622445-T-C.
Other names: c.1054A>G, p.Ile352Val (NM_001105.5, NM_001347663.1, NM_001347664.1 and 3 more transcripts); short protein forms I352V.
Identifiers: ClinVar variation 2619024 (VCV002619024.4), dbSNP rs1325945796, ClinGen allele CA349189902.

ClinVar aggregate classification (germline): Uncertain significance. Review status: criteria provided, multiple submitters, no conflicts (2 of 4 stars). 2 submissions from 2 submitters: Uncertain significance (2). Last evaluated 2024-07-11.

Conditions:
Inborn genetic diseases. Identifiers: MedGen C0950123, MeSH D030342.

Allele frequency attached by ClinVar (database versions not stated): gnomAD 0.00001.
gnomAD v4.1: 12 of 1,614,006 alleles (0.00074%); highest among the groups gnomAD compares: Admixed American, 0.0017%; no homozygotes.

Submissions (2):

Labcorp Genetics (formerly Invitae), Labcorp
Classification: Uncertain significance. Last evaluated: 2024-07-11. Review status: criteria provided, single submitter. Criteria: Invitae Variant Classification Sherloc (09022015). Collection method: clinical testing. Allele origin: germline.
Comment: This sequence change replaces isoleucine, which is neutral and non-polar, with valine, which is neutral and non-polar, at codon 352 of the ACVR1 protein (p.Ile352Val). This variant is present in population databases (no rsID available, gnomAD 0.0009%). This variant has not been reported in the literature in individuals affected with ACVR1-related conditions. ClinVar contains an entry for this variant (Variation ID: 2619024). An algorithm developed to predict the effect of missense changes on protein structure and function (PolyPhen-2) suggests that this variant is likely to be disruptive. In summary, the available evidence is currently insufficient to determine the role of this variant in disease. Therefore, it has been classified as a Variant of Uncertain Significance.

Ambry Genetics
Classification: Uncertain significance for Inborn genetic diseases. Last evaluated: 2023-08-15. Review status: criteria provided, single submitter. Criteria: Ambry Variant Classification Scheme 2023. Collection method: clinical testing. Allele origin: germline.